The following is an entry in ClinVar:

ClinVar aggregate classification (germline): Uncertain significance (1 of 4 stars; one submission).

Submission:

Dasa
Classification: Uncertain significance. Last evaluated: 2025-01-06. Review status: criteria provided, single submitter. Criteria: DASA Assertion Criteria. Collection method: clinical testing. Allele origin: germline.
Comment: NM_001312909.2(FAM111A):c.359C>T (p.Thr120Ile) is a missense variant that results in the substitution of threonine with isoleucine. This variant is absent from population databases. Computational prediction algorithms are consistent with a benign effect. The currently available literature and clinical evidence are not sufficient to establish a definitive association between this variant and the reported condition. Therefore, this variant is classified as a variant of uncertain significance.

NM_001312909.2(FAM111A):c.359C>T (p.Thr120Ile)

Gene: FAM111A (FAM111 trypsin like peptidase A; plus strand). Cytogenetic location: 11q12.1.
Variant type: single nucleotide variant.
Coding change: c.359C>T on transcript NM_001312909.2 (MANE Select); coding-DNA position 359, C replaced by T.
Protein change: p.Thr120Ile; replaces threonine 120 with isoleucine.
Molecular consequence: missense variant.
Genome position (GRCh38, 1-based): chr11:59,152,027, C>T. VCF-style: chr11-59152027-C-T. GRCh37 (hg19) VCF-style: chr11-58919500-C-T.
Other names: c.359C>T, p.Thr120Ile (NM_001142519.3, NM_001142520.3, NM_001142521.3 and 29 more transcripts); short protein forms T120I.
Identifiers: ClinVar variation 5021022 (VCV005021022.1).
Genomic context (GRCh38, chr11:59,152,027, plus strand): 5'-AGAATAGTAGCTTATATATGGCTCTCAACACTCTCCAGGCTGTCAGAAAAGAGATAGAAA[C>T]TCACCAAGGCCAAGAAATGCTTGTGCGTGGCACAGAAGGAATCAAAGAGTACATAAACCT-3'
Protein context (NP_001299838.1, residues 110-130): TLQAVRKEIE[Thr120Ile]HQGQEMLVRG